The following is an entry in ClinVar:

ClinVar aggregate classification (germline): Uncertain significance (1 of 4 stars; one submission).

Submission:

GeneDx
Classification: Uncertain significance. Last evaluated: 2024-12-02. Review status: criteria provided, single submitter. Criteria: GeneDx Variant Classification Process June 2021. Collection method: clinical testing. Allele origin: germline. Affected: yes.
Comment: Frameshift variant predicted to result in protein truncation or nonsense mediated decay in a gene or region of a gene for which loss of function is not a well-established mechanism of disease; Not observed at significant frequency in large population cohorts (gnomAD); Has not been previously published as pathogenic or benign to our knowledge; Variants in candidate genes are classified as variants of uncertain significance in accordance with ACMG guidelines (PMID: 25741868)

NM_001113407.3(LDB1):c.199del (p.Thr67fs)

Genes: LDB1 (LIM domain binding 1; minus strand), LOC126861021 (CDK7 strongly-dependent group 2 enhancer GRCh37_chr10:103870016-103871215; plus strand). Cytogenetic location: 10q24.32.
Variant type: Deletion.
Coding change: c.199del on transcript NM_001113407.3 (MANE Select); coding-DNA position 199, one base deleted (A; older notation c.199delA).
Protein change: p.Thr67fs; shifts the reading frame from threonine 67.
Molecular consequence: frameshift variant.
Genome position (GRCh38, 1-based): chr10:102,111,119, T deleted on the plus strand (A on the coding strand, the reverse complement: LDB1 is on the minus strand); the first of 3 consecutive T bases (chr10:102,111,119-102,111,121); deleting any one gives the same sequence. VCF-style (leftmost placement, unchanged base first): chr10-102111118-GT-G. GRCh37 (hg19) VCF-style: chr10-103870875-GT-G.
Other names: c.199del, p.Thr67fs (NM_001321612.2); c.91del, p.Thr31fs (NM_003893.5); short protein forms T31fs, T67fs.
Identifiers: ClinVar variation 3901599 (VCV003901599.1).
Genomic context (GRCh38, chr10:102,111,118, plus strand): 5'-CTTGGCCATACCTCTGTCCAGTTCTGAAGCCGTTTGTTAAGCTCAAATATTCTGTAGTCA[GT>G]TTGGTTGCCATATGGTGTGTGCCTCCTGGAGGAAGTGAAGGAGAGAGGTCAGTAGGAGCG-3'